The following is an entry in ClinVar:

NM_016579.4(CD320):c.634G>A (p.Gly212Arg)

Gene: CD320 (CD320 molecule; minus strand). Cytogenetic location: 19p13.2.
Variant type: single nucleotide variant.
Coding change: c.634G>A on transcript NM_016579.4 (MANE Select); coding-DNA position 634, G replaced by A.
Protein change: p.Gly212Arg; replaces glycine 212 with arginine.
Molecular consequence: missense variant.
Genome position (GRCh38, 1-based): chr19:8,302,849, C>T on the plus strand (G>A on the coding strand, the complement: CD320 is on the minus strand). VCF-style: chr19-8302849-C-T. GRCh37 (hg19) VCF-style: chr19-8367733-C-T.
Other names: c.508G>A, p.Gly170Arg (NM_001165895.2); short protein forms G170R, G212R.
Identifiers: ClinVar variation 2193717 (VCV002193717.4), dbSNP rs550390075, ClinGen allele CA9154669.
Genomic context (GRCh38, chr19:8,302,849, plus strand): 5'-TAACCCCATAGGCAGTTGGGCTTCCAGACTGGTCTCCGGCAGAGGAGGATGTGGCATTCC[C>T]GACAGAGGGGACACTCTCCAGGGTCACAGGGGGCCCCATGGTTGTGGCATTCCTGAGAGA-3'
Protein context (NP_057663.1, residues 202-222): PVTLESVPSV[Gly212Arg]NATSSSAGDQ

ClinVar aggregate classification (germline): Uncertain significance (1 of 4 stars; one submission).

Conditions:
Methylmalonic acidemia due to transcobalamin receptor defect (MATR). Also called: METHYLMALONIC ACIDEMIA, TCblR TYPE; METHYLMALONIC ACIDURIA, TRANSIENT, DUE TO TRANSCOBALAMIN RECEPTOR DEFECT. Identifiers: Orphanet 280183, MedGen C4749905, MONDO:0013341, OMIM 613646.

Allele frequency attached by ClinVar (database versions not stated): ExAC 0.00004; 1000 Genomes Project 30x 0.00016; 1000 Genomes Project 0.00020.
gnomAD v4.1: 32 of 1,614,064 alleles (0.002%); highest among the groups gnomAD compares: African/African-American, 0.021%; no homozygotes.

Submission:

Labcorp Genetics (formerly Invitae), Labcorp
Classification: Uncertain significance for Methylmalonic acidemia due to transcobalamin receptor defect. Last evaluated: 2024-11-29. Review status: criteria provided, single submitter. Criteria: Invitae Variant Classification Sherloc (09022015). Collection method: clinical testing. Allele origin: germline.
Comment: This sequence change replaces glycine, which is neutral and non-polar, with arginine, which is basic and polar, at codon 212 of the CD320 protein (p.Gly212Arg). This variant is present in population databases (rs550390075, gnomAD 0.04%). This variant has not been reported in the literature in individuals affected with CD320-related conditions. ClinVar contains an entry for this variant (Variation ID: 2193717). An algorithm developed to predict the effect of missense changes on protein structure and function outputs the following: PolyPhen-2: "Benign". The arginine amino acid residue is found in multiple mammalian species, which suggests that this missense change does not adversely affect protein function. In summary, the available evidence is currently insufficient to determine the role of this variant in disease. Therefore, it has been classified as a Variant of Uncertain Significance.